The following is an entry in ClinVar:

ClinVar aggregate classification (germline): Uncertain significance (1 of 4 stars; one submission).

Conditions:
Birt-Hogg-Dube syndrome. Also called: Birt Hogg Dubé syndrome. Identifiers: Orphanet 122, MedGen C0346010, MONDO:0800444.

gnomAD v4.1: 1 of 1,613,920 alleles (0.000062%); highest among the groups gnomAD compares: Non-Finnish European, 0.000085%; no homozygotes.

Submission:

Labcorp Genetics (formerly Invitae), Labcorp
Classification: Uncertain significance for Multiple fibrofolliculomas. Last evaluated: 2019-09-09. Review status: criteria provided, single submitter. Criteria: Invitae Variant Classification Sherloc (09022015). Collection method: clinical testing. Allele origin: germline.
Comment: This sequence change replaces glutamine with histidine at codon 339 of the FLCN protein (p.Gln339His). The glutamine residue is weakly conserved and there is a small physicochemical difference between glutamine and histidine. This variant is not present in population databases (ExAC no frequency). This variant has not been reported in the literature in individuals with FLCN-related conditions. Algorithms developed to predict the effect of missense changes on protein structure and function (SIFT, PolyPhen-2, Align-GVGD) all suggest that this variant is likely to be tolerated, but these predictions have not been confirmed by published functional studies and their clinical significance is uncertain. In summary, the available evidence is currently insufficient to determine the role of this variant in disease. Therefore, it has been classified as a Variant of Uncertain Significance.

NM_144997.7(FLCN):c.1017G>T (p.Gln339His)

Gene: FLCN (folliculin; minus strand). Cytogenetic location: 17p11.2.
Variant type: single nucleotide variant.
Coding change: c.1017G>T on transcript NM_144997.7 (MANE Select); coding-DNA position 1017, G replaced by T.
Protein change: p.Gln339His; replaces glutamine 339 with histidine.
Molecular consequence: missense variant.
Genome position (GRCh38, 1-based): chr17:17,219,064, C>A on the plus strand (G>T on the coding strand, the complement: FLCN is on the minus strand). VCF-style: chr17-17219064-C-A. GRCh37 (hg19) VCF-style: chr17-17122378-C-A.
Other names: c.1071G>T, p.Gln357His (NM_001353229.2); c.1017G>T, p.Gln339His (NM_001353230.2, NM_001353231.2); short protein forms Q339H, Q357H.
Identifiers: ClinVar variation 960064 (VCV000960064.1), dbSNP rs2047008957, ClinGen allele CA398532739.
Genomic context (GRCh38, chr17:17,219,064, plus strand): 5'-GCCCCTGCCGCCTACCTGCCTCATGTGCCGGAGGGACTTGAAGACTGGCAGCTTCCGGGG[C>A]TGCCAGCTCCCACAGCCTGAGAGAGAGGAGGACTCTGCCGGGCCCTGGGTCAGCTCCCGC-3'
Protein context (NP_659434.2, residues 329-349): SSSLSGCGSW[Gln339His]PRKLPVFKSL